The following is an entry in ClinVar:

ClinVar aggregate classification (germline): Benign/Likely benign. Review status: criteria provided, multiple submitters, no conflicts (2 of 4 stars). 3 submissions from 3 submitters: Benign (1); Likely benign (2). Last evaluated 2024-10-30.

Conditions:
Hereditary cancer-predisposing syndrome. Also called: Hereditary Cancer Syndrome; Neoplastic Syndromes, Hereditary; Tumor predisposition; Hereditary neoplastic syndrome. Identifiers: Orphanet 140162, MedGen C0027672, MeSH D009386, MONDO:0015356.
Prostate cancer, hereditary, 9 (HPC9). Identifiers: Orphanet 1331, MedGen C1970250, MONDO:0012597, OMIM 610997.

Submissions (3):

Myriad Genetics, Inc.
Classification: Benign for Prostate cancer, hereditary, 9. Last evaluated: 2024-10-30. Review status: criteria provided, single submitter. Criteria: Myriad Autosomal Dominant, Autosomal Recessive and X-Linked Classification Criteria (2023). Collection method: clinical testing. Allele origin: unknown.
Comment: This variant is considered benign. This variant is a silent/synonymous amino acid change and it is not expected to impact splicing.

Labcorp Genetics (formerly Invitae), Labcorp
Classification: Likely benign. Last evaluated: 2022-11-09. Review status: criteria provided, single submitter. Criteria: Invitae Variant Classification Sherloc (09022015). Collection method: clinical testing. Allele origin: germline.

Ambry Genetics
Classification: Likely benign for Hereditary cancer-predisposing syndrome. Last evaluated: 2020-01-02. Review status: criteria provided, single submitter. Criteria: Ambry Variant Classification Scheme 2023. Collection method: clinical testing. Allele origin: germline.

NM_006361.6(HOXB13):c.456G>A (p.Leu152=)

Gene: HOXB13 (homeobox B13; minus strand). Cytogenetic location: 17q21.32.
Variant type: single nucleotide variant.
Coding change: c.456G>A on transcript NM_006361.6 (MANE Select); coding-DNA position 456, G replaced by A.
Protein change: p.Leu152=; no amino-acid change (leucine 152 retained).
Molecular consequence: synonymous variant.
Genome position (GRCh38, 1-based): chr17:48,728,138, C>T on the plus strand (G>A on the coding strand, the complement: HOXB13 is on the minus strand). VCF-style: chr17-48728138-C-T. GRCh37 (hg19) VCF-style: chr17-46805500-C-T.
Identifiers: ClinVar variation 1083633 (VCV001083633.12), dbSNP rs755437330, ClinGen allele CA500660888.